The following is an entry in ClinVar:

NM_001099271.2(POC5):c.1562A>G (p.Glu521Gly)

Gene: POC5 (POC5 centriolar protein; minus strand). Cytogenetic location: 5q13.3.
Variant type: single nucleotide variant.
Coding change: c.1562A>G on transcript NM_001099271.2 (MANE Select); coding-DNA position 1562, A replaced by G.
Protein change: p.Glu521Gly; replaces glutamic acid 521 with glycine.
Molecular consequence: missense variant.
Genome position (GRCh38, 1-based): chr5:75,677,796, T>C on the plus strand (A>G on the coding strand, the complement: POC5 is on the minus strand). VCF-style: chr5-75677796-T-C. GRCh37 (hg19) VCF-style: chr5-74973621-T-C.
Other names: c.1487A>G, p.Glu496Gly (NM_152408.3); short protein forms E496G, E521G.
Identifiers: ClinVar variation 1381761 (VCV001381761.6), dbSNP rs1408846041, ClinGen allele CA360142940.

ClinVar aggregate classification (germline): Uncertain significance (1 of 4 stars; one submission).

Allele frequency attached by ClinVar (database versions not stated): TOPMed below 0.00001; gnomAD 0.00001.
gnomAD v4.1: 3 of 1,608,964 alleles (0.00019%); highest among the groups gnomAD compares: Non-Finnish European, 0.00025%; no homozygotes.

Submission:

Labcorp Genetics (formerly Invitae), Labcorp
Classification: Uncertain significance. Last evaluated: 2021-12-07. Review status: criteria provided, single submitter. Criteria: Invitae Variant Classification Sherloc (09022015). Collection method: clinical testing. Allele origin: germline.
Comment: This sequence change replaces glutamic acid, which is acidic and polar, with glycine, which is neutral and non-polar, at codon 521 of the POC5 protein (p.Glu521Gly). This variant is not present in population databases (gnomAD no frequency). This variant has not been reported in the literature in individuals affected with POC5-related conditions. Algorithms developed to predict the effect of missense changes on protein structure and function are either unavailable or do not agree on the potential impact of this missense change (SIFT: "Not Available"; PolyPhen-2: "Probably Damaging"; Align-GVGD: "Not Available"). In summary, the available evidence is currently insufficient to determine the role of this variant in disease. Therefore, it has been classified as a Variant of Uncertain Significance.